The following is an entry in ClinVar:

NM_005477.3(HCN4):c.786-16_786-15del

Genes: HCN4 (hyperpolarization activated cyclic nucleotide gated potassium channel 4; minus strand), LOC105370890 (uncharacterized LOC105370890; plus strand), LOC126862173 (CDK7 strongly-dependent group 2 enhancer GRCh37_chr15:73635762-73636961; plus strand). Cytogenetic location: 15q24.1.
Variant type: Deletion.
Coding change: c.786-16_786-15del on transcript NM_005477.3 (MANE Select); 16 bases into the intron before coding-DNA position 786 through 15 bases into the intron before coding-DNA position 786, 2 bases deleted (CT; older notation c.786-16_786-15delCT).
Molecular consequence: intron variant.
Genome position (GRCh38, 1-based): chr15:73,343,823-73,343,824, AG deleted on the plus strand (CT on the coding strand, the reverse complement: HCN4 is on the minus strand). VCF-style (leftmost placement, unchanged base first): chr15-73343822-CAG-C. GRCh37 (hg19) VCF-style: chr15-73636163-CAG-C.
Identifiers: ClinVar variation 509649 (VCV000509649.9), dbSNP rs1479279626, ClinGen allele CA619081759.

ClinVar aggregate classification (germline): Likely benign. Review status: criteria provided, multiple submitters, no conflicts (2 of 4 stars). 2 submissions from 2 submitters: Likely benign (2). Last evaluated 2025-04-22.

Conditions:
Brugada syndrome 8 (BRGDA8). Identifiers: Orphanet 130, MedGen C2751083, MONDO:0013148, OMIM 613123.

Allele frequency attached by ClinVar (database versions not stated): gnomAD exomes below 0.00001 and 0.00001; gnomAD 0.00001; TOPMed 0.00001.

Submissions (2):

Labcorp Genetics (formerly Invitae), Labcorp
Classification: Likely benign for Brugada syndrome 8. Last evaluated: 2025-04-22. Review status: criteria provided, single submitter. Criteria: Invitae Variant Classification Sherloc (09022015). Collection method: clinical testing. Allele origin: germline.

GeneDx
Classification: Likely benign. Last evaluated: 2017-05-18. Review status: criteria provided, single submitter. Criteria: GeneDx Variant Classification (06012015). Collection method: clinical testing. Allele origin: germline. Affected: yes.
Comment: This variant is considered likely benign or benign based on one or more of the following criteria: it is a conservative change, it occurs at a poorly conserved position in the protein, it is predicted to be benign by multiple in silico algorithms, and/or has population frequency not consistent with disease.